The following is an entry in ClinVar:

ClinVar aggregate classification (germline): Uncertain significance. Review status: criteria provided, multiple submitters, no conflicts (2 of 4 stars). 2 submissions from 2 submitters: Uncertain significance (2). Last evaluated 2025-02-05.

Conditions:
Inborn genetic diseases. Identifiers: MedGen C0950123, MeSH D030342.

Allele frequency attached by ClinVar (database versions not stated): gnomAD exomes below 0.00001; TOPMed 0.00001.
gnomAD v4.1: 2 of 1,613,090 alleles (0.00012%); highest among the groups gnomAD compares: Admixed American, 0.0033%; no homozygotes.

Submissions (2):

Ambry Genetics
Classification: Uncertain significance for Inborn genetic diseases. Last evaluated: 2025-02-05. Review status: criteria provided, single submitter. Criteria: Ambry Variant Classification Scheme 2023. Collection method: clinical testing. Allele origin: germline.

Labcorp Genetics (formerly Invitae), Labcorp
Classification: Uncertain significance. Last evaluated: 2022-09-07. Review status: criteria provided, single submitter. Criteria: Invitae Variant Classification Sherloc (09022015). Collection method: clinical testing. Allele origin: germline.
Comment: This sequence change replaces isoleucine, which is neutral and non-polar, with threonine, which is neutral and polar, at codon 937 of the IREB2 protein (p.Ile937Thr). This variant is present in population databases (no rsID available, gnomAD 0.006%). This variant has not been reported in the literature in individuals affected with IREB2-related conditions. Algorithms developed to predict the effect of missense changes on protein structure and function are either unavailable or do not agree on the potential impact of this missense change (SIFT: "Not Available"; PolyPhen-2: "Benign"; Align-GVGD: "Not Available"). In summary, the available evidence is currently insufficient to determine the role of this variant in disease. Therefore, it has been classified as a Variant of Uncertain Significance.

NM_004136.4(IREB2):c.2810T>C (p.Ile937Thr)

Gene: IREB2 (iron responsive element binding protein 2; plus strand). Cytogenetic location: 15q25.1.
Variant type: single nucleotide variant.
Coding change: c.2810T>C on transcript NM_004136.4 (MANE Select); coding-DNA position 2810, T replaced by C.
Protein change: p.Ile937Thr; replaces isoleucine 937 with threonine.
Molecular consequence: missense variant.
Genome position (GRCh38, 1-based): chr15:78,498,061, T>C. VCF-style: chr15-78498061-T-C. GRCh37 (hg19) VCF-style: chr15-78790403-T-C.
Other names: c.2060T>C, p.Ile687Thr (NM_001320941.2); c.2639T>C, p.Ile880Thr (NM_001320942.2, NM_001354994.2); c.2810T>C (NM_004136.2); short protein forms I687T, I880T, I937T.
Identifiers: ClinVar variation 1937145 (VCV001937145.3), dbSNP rs1310220387, ClinGen allele CA393568269.